The following is an entry in ClinVar:

ClinVar aggregate classification (germline): Conflicting classifications of pathogenicity. Review status: criteria provided, conflicting classifications (1 of 4 stars). 4 submissions from 4 submitters: Uncertain significance (1); Likely benign (1). 2 of the submissions do not count toward it. Last evaluated 2024-10-25.

Allele frequency attached by ClinVar (database versions not stated): TOPMed 0.00004; ESP Exome Variant Server 0.00008; gnomAD 0.00009 and 0.00010.
gnomAD v4.1: 121 of 1,613,864 alleles (0.0075%); highest among the groups gnomAD compares: Non-Finnish European, 0.0096%; no homozygotes.

Submissions (4):

Labcorp Genetics (formerly Invitae), Labcorp
Classification: Uncertain significance. Last evaluated: 2024-10-25. Review status: criteria provided, single submitter. Criteria: Invitae Variant Classification Sherloc (09022015). Collection method: clinical testing. Allele origin: germline.
Comment: This sequence change replaces alanine, which is neutral and non-polar, with threonine, which is neutral and polar, at codon 553 of the C8A protein (p.Ala553Thr). This variant is present in population databases (rs375719279, gnomAD 0.008%). This variant has not been reported in the literature in individuals affected with C8A-related conditions. ClinVar contains an entry for this variant (Variation ID: 1299813). An algorithm developed to predict the effect of missense changes on protein structure and function outputs the following: PolyPhen-2: "Benign". The threonine amino acid residue is found in multiple mammalian species, which suggests that this missense change does not adversely affect protein function. In summary, the available evidence is currently insufficient to determine the role of this variant in disease. Therefore, it has been classified as a Variant of Uncertain Significance.

Ambry Genetics
Classification: Likely benign. Last evaluated: 2024-08-27. Review status: criteria provided, single submitter. Criteria: Ambry Variant Classification Scheme 2023. Collection method: clinical testing. Allele origin: germline.

Clinical Genetics DNA and cytogenetics Diagnostics Lab, Erasmus MC, Erasmus Medical Center
Classification: Likely benign. Review status: no assertion criteria provided. Collection method: clinical testing. Allele origin: germline. Affected: yes. Study: VKGL Data-share Consensus. Not counted in ClinVar's aggregate classification.

Genome Diagnostics Laboratory, University Medical Center Utrecht
Classification: Likely benign. Review status: no assertion criteria provided. Collection method: clinical testing. Allele origin: germline. Affected: yes. Study: VKGL Data-share Consensus. Not counted in ClinVar's aggregate classification.

NM_000562.3(C8A):c.1657G>A (p.Ala553Thr)

Gene: C8A (complement C8 alpha chain; plus strand). Cytogenetic location: 1p32.2.
Variant type: single nucleotide variant.
Coding change: c.1657G>A on transcript NM_000562.3 (MANE Select); coding-DNA position 1657, G replaced by A.
Protein change: p.Ala553Thr; replaces alanine 553 with threonine.
Molecular consequence: missense variant.
Genome position (GRCh38, 1-based): chr1:56,917,618, G>A. VCF-style: chr1-56917618-G-A. GRCh37 (hg19) VCF-style: chr1-57383291-G-A.
Other names: c.1657G>A (NM_000562.2); short protein forms A553T.
Identifiers: ClinVar variation 1299813 (VCV001299813.9), dbSNP rs375719279, ClinGen allele CA875467.